The following is an entry in ClinVar:

NR_003051.4(RMRP):n.47dup

Gene: RMRP (RNA component of mitochondrial RNA processing endoribonuclease; minus strand). Cytogenetic location: 9p13.3.
Variant type: Duplication.
Genome position: GRCh38 VCF-style: chr9-35657972-C-CA. GRCh37 (hg19) VCF-style: chr9-35657969-C-CA.
Identifiers: ClinVar variation 1414210 (VCV001414210.4), dbSNP rs1449922755, ClinGen allele CA587570175.

ClinVar aggregate classification (germline): Uncertain significance (1 of 4 stars; one submission).

Conditions:
Anauxetic dysplasia. Identifiers: Orphanet 93347, MedGen C1846796, MONDO:0011773.

Allele frequency attached by ClinVar (database versions not stated): gnomAD exomes 0.00002; TOPMed 0.00002; gnomAD 0.00003 and 0.00004.

Submission:

Labcorp Genetics (formerly Invitae), Labcorp
Classification: Uncertain significance for Anauxetic dysplasia. Last evaluated: 2024-04-10. Review status: criteria provided, single submitter. Criteria: Invitae Variant Classification Sherloc (09022015). Collection method: clinical testing. Allele origin: germline.
Comment: This variant occurs in the RMRP gene, which encodes an RNA molecule that does not result in a protein product. This variant is present in population databases (no rsID available, gnomAD 0.004%). This variant has not been reported in the literature in individuals affected with RMRP-related conditions. ClinVar contains an entry for this variant (Variation ID: 1414210). Experimental studies and prediction algorithms are not available or were not evaluated, and the functional significance of this variant is currently unknown. In summary, the available evidence is currently insufficient to determine the role of this variant in disease. Therefore, it has been classified as a Variant of Uncertain Significance.